The following is an entry in ClinVar:

NM_001378454.1(ALMS1):c.3938T>C (p.Val1313Ala)

Gene: ALMS1 (ALMS1 centrosome and basal body associated protein; plus strand). Cytogenetic location: 2p13.1.
Variant type: single nucleotide variant.
Coding change: c.3938T>C on transcript NM_001378454.1 (MANE Select); coding-DNA position 3938, T replaced by C.
Protein change: p.Val1313Ala; replaces valine 1313 with alanine.
Molecular consequence: missense variant.
Genome position (GRCh38, 1-based): chr2:73,450,465, T>C. VCF-style: chr2-73450465-T-C. GRCh37 (hg19) VCF-style: chr2-73677592-T-C.
Other names: c.3941T>C, p.Val1314Ala (NM_015120.4); short protein forms V1314A, V1313A.
Identifiers: ClinVar variation 2148011 (VCV002148011.3), dbSNP rs1463118801, ClinGen allele CA347277122.

ClinVar aggregate classification (germline): Uncertain significance (1 of 4 stars; one submission).

Conditions:
Alstrom syndrome (ALMS). Identifiers: Orphanet 64, MedGen C0268425, MONDO:0008763, OMIM 203800.

Allele frequency attached by ClinVar (database versions not stated): gnomAD exomes 0.00001; gnomAD 0.00004.
gnomAD v4.1: 9 of 1,613,412 alleles (0.00056%); highest among the groups gnomAD compares: Admixed American, 0.015%; 1 homozygote.

Submission:

Labcorp Genetics (formerly Invitae), Labcorp
Classification: Uncertain significance for Alstrom syndrome. Last evaluated: 2023-11-27. Review status: criteria provided, single submitter. Criteria: Invitae Variant Classification Sherloc (09022015). Collection method: clinical testing. Allele origin: germline.
Comment: This sequence change replaces valine, which is neutral and non-polar, with alanine, which is neutral and non-polar, at codon 1314 of the ALMS1 protein (p.Val1314Ala). This variant is present in population databases (no rsID available, gnomAD 0.003%). This variant has not been reported in the literature in individuals affected with ALMS1-related conditions. ClinVar contains an entry for this variant (Variation ID: 2148011). Experimental studies and prediction algorithms are not available or were not evaluated, and the functional significance of this variant is currently unknown. In summary, the available evidence is currently insufficient to determine the role of this variant in disease. Therefore, it has been classified as a Variant of Uncertain Significance.